The following is an entry in ClinVar:

NM_182961.4(SYNE1):c.8984T>C (p.Ile2995Thr)

Genes: SYNE1 (spectrin repeat containing nuclear envelope protein 1; minus strand), SYNE1-AS1 (SYNE1 antisense RNA 1; plus strand). Cytogenetic location: 6q25.2.
Variant type: single nucleotide variant.
Coding change: c.8984T>C on transcript NM_182961.4 (MANE Select); coding-DNA position 8984, T replaced by C.
Protein change: p.Ile2995Thr; replaces isoleucine 2995 with threonine.
Molecular consequence: missense variant.
Genome position (GRCh38, 1-based): chr6:152,381,031, A>G on the plus strand (T>C on the coding strand, the complement: SYNE1 is on the minus strand). VCF-style: chr6-152381031-A-G. GRCh37 (hg19) VCF-style: chr6-152702166-A-G.
Other names: c.9005T>C, p.Ile3002Thr (NM_033071.5); short protein forms I2995T, I3002T.
Identifiers: ClinVar variation 1030081 (VCV001030081.1), dbSNP rs527822279, ClinGen allele CA4057431.

ClinVar aggregate classification (germline): Uncertain significance (1 of 4 stars; one submission).

Conditions:
Autosomal recessive ataxia, Beauce type. Also called: ATAXIA, RECESSIVE, OF BEAUCE; Spinocerebellar ataxia, autosomal recessive 8; SYNE1-Related Autosomal Recessive Cerebellar Ataxia; SYNE1 Deficiency. Identifiers: Orphanet 88644, MedGen C1853116, MONDO:0012549, OMIM 610743.

Allele frequency attached by ClinVar (database versions not stated): gnomAD 0.00001; gnomAD exomes 0.00001; ExAC 0.00002; 1000 Genomes Project 0.00020; 1000 Genomes Project 30x 0.00031.
gnomAD v4.1: 7 of 1,614,138 alleles (0.00043%); highest among the groups gnomAD compares: East Asian, 0.0089%; no homozygotes.

Submission:

Baylor Genetics
Classification: Uncertain significance for Autosomal recessive ataxia, Beauce type. Last evaluated: 2019-02-01. Review status: criteria provided, single submitter. Criteria: ACMG Guidelines, 2015. Collection method: clinical testing. Allele origin: de novo. Affected: yes.
Comment: This variant was determined to be of uncertain significance according to ACMG Guidelines, 2015 [PMID:25741868].